The following is an entry in ClinVar:

NM_182961.4(SYNE1):c.9147-3C>T

Gene: SYNE1 (spectrin repeat containing nuclear envelope protein 1; minus strand). Cytogenetic location: 6q25.2.
Variant type: single nucleotide variant.
Coding change: c.9147-3C>T on transcript NM_182961.4 (MANE Select); 3 bases into the intron before coding-DNA position 9147, C replaced by T.
Molecular consequence: intron variant.
Genome position (GRCh38, 1-based): chr6:152,376,561, G>A on the plus strand (C>T on the coding strand, the complement: SYNE1 is on the minus strand). VCF-style: chr6-152376561-G-A. GRCh37 (hg19) VCF-style: chr6-152697696-G-A.
Other names: c.9168-3C>T (NM_033071.5).
Identifiers: ClinVar variation 3910571 (VCV003910571.9).
Genomic context (GRCh38, chr6:152,376,561, plus strand): 5'-TCTTTGCTGTAAAATCTGTTCTTTATTCTGGCAGCCCTTGGATGCTTGCAAACAAAGACT[G>A]AAAAGGTGACGCAAAAATTTAATGGCAGGAAAAAGCGATAAAGTTGATGAAAATCATGTT-3'

ClinVar aggregate classification (germline): Conflicting classifications of pathogenicity. Review status: criteria provided, conflicting classifications (1 of 4 stars). 2 submissions from 2 submitters: Uncertain significance (1); Likely benign (1). Last evaluated 2025-07-01.

gnomAD v4.1: 4 of 1,613,546 alleles (0.00025%); highest among the groups gnomAD compares: Non-Finnish European, 0.00025%; no homozygotes.

Submissions (2):

CeGaT Center for Human Genetics Tuebingen
Classification: Uncertain significance. Last evaluated: 2025-07-01. Review status: criteria provided, single submitter. Criteria: CeGaT Center For Human Genetics Tuebingen Variant Classification Criteria Version 2. Collection method: clinical testing. Allele origin: germline. Affected: yes. Observed: 1 variant allele.
Comment: SYNE1: PM2, BP4

Laboratory of Genetics, Children's Clinical University Hospital Latvia
Classification: Likely benign. Last evaluated: 2025-02-16. Review status: criteria provided, single submitter. Criteria: ACMG Guidelines, 2015. Collection method: clinical testing. Allele origin: germline. Affected: yes.